The following is an entry in ClinVar:

ClinVar aggregate classification (germline): Uncertain significance. Review status: criteria provided, multiple submitters, no conflicts (2 of 4 stars). 2 submissions from 2 submitters: Uncertain significance (2). Last evaluated 2024-08-04.

Allele frequency attached by ClinVar (database versions not stated): ExAC 0.00002; gnomAD 0.00003; gnomAD exomes 0.00003; TOPMed 0.00003.
gnomAD v4.1: 46 of 1,614,000 alleles (0.0029%); highest among the groups gnomAD compares: Non-Finnish European, 0.0037%; no homozygotes.

Submissions (2):

Ambry Genetics
Classification: Uncertain significance. Last evaluated: 2024-08-04. Review status: criteria provided, single submitter. Criteria: Ambry Variant Classification Scheme 2023. Collection method: clinical testing. Allele origin: germline.

Labcorp Genetics (formerly Invitae), Labcorp
Classification: Uncertain significance. Last evaluated: 2022-08-27. Review status: criteria provided, single submitter. Criteria: Invitae Variant Classification Sherloc (09022015). Collection method: clinical testing. Allele origin: germline.
Comment: In summary, the available evidence is currently insufficient to determine the role of this variant in disease. Therefore, it has been classified as a Variant of Uncertain Significance. Algorithms developed to predict the effect of missense changes on protein structure and function are either unavailable or do not agree on the potential impact of this missense change (SIFT: "Deleterious"; PolyPhen-2: "Probably Damaging"; Align-GVGD: "Class C15"). This variant has not been reported in the literature in individuals affected with NUP62-related conditions. This variant is present in population databases (rs772416904, gnomAD 0.004%). This sequence change replaces phenylalanine, which is neutral and non-polar, with leucine, which is neutral and non-polar, at codon 74 of the NUP62 protein (p.Phe74Leu).

NM_016553.5(NUP62):c.220T>C (p.Phe74Leu)

Genes: IL4I1 (interleukin 4 induced 1; minus strand), NUP62 (nucleoporin 62; minus strand). Cytogenetic location: 19q13.33.
Variant type: single nucleotide variant.
Coding change: c.220T>C on transcript NM_016553.5 (MANE Select); coding-DNA position 220, T replaced by C.
Protein change: p.Phe74Leu; replaces phenylalanine 74 with leucine.
Molecular consequence: missense variant. On other transcripts: intron variant (3).
Genome position (GRCh38, 1-based): chr19:49,909,588, A>G on the plus strand (T>C on the coding strand, the complement: NUP62 is on the minus strand). VCF-style: chr19-49909588-A-G. GRCh37 (hg19) VCF-style: chr19-50412845-A-G.
Other names: c.220T>C, p.Phe74Leu (NM_001193357.2, NM_012346.5, NM_153718.4 and 1 more transcripts); c.-227-5267T>C (NM_001258017.2, NM_172374.3); c.-285-5267T>C (NM_001258018.2); short protein forms F74L.
Identifiers: ClinVar variation 2076328 (VCV002076328.4), dbSNP rs772416904, ClinGen allele CA9589181.